The following is an entry in ClinVar:

NC_000019.9:g.(54310920_54312840)_(54318243_54327139)del

Gene: NLRP12 (NLR family pyrin domain containing 12; minus strand). Cytogenetic location: 19q13.42.
Variant type: Deletion.
Identifiers: ClinVar variation 4689682 (VCV004689682.1).

ClinVar aggregate classification (germline): Uncertain significance (1 of 4 stars; one submission).

Submission:

Women's Health and Genetics/Laboratory Corporation of America, LabCorp
Classification: Uncertain significance. Last evaluated: 2026-01-02. Review status: criteria provided, single submitter. Criteria: LabCorp Variant Classification Summary - May 2015. Collection method: clinical testing. Allele origin: germline.
Comment: Variant summary: The variant involves the deletion of exons 2-3 in the NLRP12 gene. A presumed nomenclature of c.(289+1_290-1)_(2072+1_2073-1)del has been designated for the purposes of this classification. This Copy Number Variant (CNV) is expected to alter the reading frame and predicted to result in a truncation or absence of the encoded protein due to nonsense mediated decay (NMD). However, current evidence is not sufficient to establish loss of function as a mechanism for disease. The variant was absent in 119424 control chromosomes in the gnomAD database (Structural Variants v4.1 dataset). The available data on variant occurrences in the general population are insufficient to allow any conclusion about variant significance. To our knowledge, no occurrence of c.(289+1_290-1)_(2072+1_2073-1)del in individuals affected with NLRP12-related conditions and no experimental evidence demonstrating its impact on protein function have been reported. No submitters have cited clinical-significance assessments for this variant to ClinVar. Based on the evidence outlined above, the variant was classified as uncertain significance.